The following is an entry in ClinVar:

NM_177438.3(DICER1):c.4354T>C (p.Phe1452Leu)

Gene: DICER1 (dicer 1, ribonuclease III; minus strand). Cytogenetic location: 14q32.13.
Variant type: single nucleotide variant.
Coding change: c.4354T>C on transcript NM_177438.3 (MANE Select); coding-DNA position 4354, T replaced by C.
Protein change: p.Phe1452Leu; replaces phenylalanine 1452 with leucine.
Molecular consequence: missense variant. On other transcripts: non-coding transcript variant (6).
Genome position (GRCh38, 1-based): chr14:95,096,566, A>G on the plus strand (T>C on the coding strand, the complement: DICER1 is on the minus strand). VCF-style: chr14-95096566-A-G. GRCh37 (hg19) VCF-style: chr14-95562903-A-G.
Other names: c.4354T>C, p.Phe1452Leu (NM_001195573.1, NM_001271282.3, NM_001291628.2 and 12 more transcripts); c.3949T>C, p.Phe1317Leu (NM_001395690.1, NM_001395696.1, NM_001395687.1 and 2 more transcripts); c.3787T>C, p.Phe1263Leu (NM_001395691.1); c.2671T>C, p.Phe891Leu (NM_001395697.1); c.4072T>C, p.Phe1358Leu (NM_001395686.1); short protein forms F1452L, F891L, F1358L, F1263L, F1317L.
Identifiers: ClinVar variation 3663417 (VCV003663417.2).

ClinVar aggregate classification (germline): Uncertain significance (1 of 4 stars; one submission).

Conditions:
DICER1-related tumor predisposition. Also called: DICER1-related pleuropulmonary blastoma cancer predisposition syndrome; DICER1 syndrome. Identifiers: Orphanet 284343, MedGen C3839822, MONDO:0100216.

Submission:

Labcorp Genetics (formerly Invitae), Labcorp
Classification: Uncertain significance for DICER1-related tumor predisposition. Last evaluated: 2024-11-02. Review status: criteria provided, single submitter. Criteria: Invitae Variant Classification Sherloc (09022015). Collection method: clinical testing. Allele origin: germline.
Comment: This sequence change replaces phenylalanine, which is neutral and non-polar, with leucine, which is neutral and non-polar, at codon 1452 of the DICER1 protein (p.Phe1452Leu). This variant is not present in population databases (gnomAD no frequency). This variant has not been reported in the literature in individuals affected with DICER1-related conditions. Invitae Evidence Modeling of protein sequence and biophysical properties (such as structural, functional, and spatial information, amino acid conservation, physicochemical variation, residue mobility, and thermodynamic stability) indicates that this missense variant is not expected to disrupt DICER1 protein function with a negative predictive value of 95%. In summary, the available evidence is currently insufficient to determine the role of this variant in disease. Therefore, it has been classified as a Variant of Uncertain Significance.